The following is an entry in ClinVar:

ClinVar aggregate classification (germline): Uncertain significance (1 of 4 stars; one submission).

Allele frequency attached by ClinVar (database versions not stated): ExAC 0.00023; gnomAD 0.00025; TOPMed 0.00026; ESP Exome Variant Server 0.00031.
gnomAD v4.1: 689 of 1,600,626 alleles (0.043%); highest among the groups gnomAD compares: Non-Finnish European, 0.056%; no homozygotes.

Submission:

Labcorp Genetics (formerly Invitae), Labcorp
Classification: Uncertain significance. Last evaluated: 2022-04-08. Review status: criteria provided, single submitter. Criteria: Invitae Variant Classification Sherloc (09022015). Collection method: clinical testing. Allele origin: germline.
Comment: This sequence change replaces alanine, which is neutral and non-polar, with threonine, which is neutral and polar, at codon 518 of the AMH protein (p.Ala518Thr). This variant is present in population databases (rs144513424, gnomAD 0.05%). This variant has not been reported in the literature in individuals affected with AMH-related conditions. Algorithms developed to predict the effect of missense changes on protein structure and function output the following: SIFT: "Not Available"; PolyPhen-2: "Possibly Damaging"; Align-GVGD: "Not Available". The threonine amino acid residue is found in multiple mammalian species, which suggests that this missense change does not adversely affect protein function. In summary, the available evidence is currently insufficient to determine the role of this variant in disease. Therefore, it has been classified as a Variant of Uncertain Significance.

NM_000479.5(AMH):c.1552G>A (p.Ala518Thr)

Gene: AMH (anti-Mullerian hormone; plus strand). Cytogenetic location: 19p13.3.
Variant type: single nucleotide variant.
Coding change: c.1552G>A on transcript NM_000479.5 (MANE Select); coding-DNA position 1552, G replaced by A.
Protein change: p.Ala518Thr; replaces alanine 518 with threonine.
Molecular consequence: missense variant.
Genome position (GRCh38, 1-based): chr19:2,251,826, G>A. VCF-style: chr19-2251826-G-A. GRCh37 (hg19) VCF-style: chr19-2251825-G-A.
Other names: short protein forms A518T.
Identifiers: ClinVar variation 2052789 (VCV002052789.3), dbSNP rs144513424, ClinGen allele CA9063111.
Genomic context (GRCh38, chr19:2,251,826, plus strand): 5'-GACCGCAACCCGCGCTACGGCAACCACGTGGTGCTGCTGCTGAAGATGCAGGTCCGTGGG[G>A]CCGCCCTGGCGCGCCCACCCTGCTGCGTGCCCACCGCCTACGCGGGCAAGCTGCTCATCA-3'
Protein context (NP_000470.3, residues 508-528): VLLLKMQVRG[Ala518Thr]ALARPPCCVP